The following is an entry in ClinVar:

ClinVar aggregate classification (germline): Uncertain significance (1 of 4 stars; one submission).

Submission:

ISCA site 14
Classification: Uncertain significance. Last evaluated: 2011-08-12. Review status: criteria provided, single submitter. Criteria: Kaminsky et al. (Genet Med. 2011). Collection method: clinical testing. Allele origin: paternal. Affected: yes. Observed: 1 variant allele.
Comment: Copy number variation identified through the course of routine clinical cytogenomic testing in postnatal populations. Clinical assertions have been curated as described in Kaminsky et al. 2011.

GRCh38/hg38 6q14.1(chr6:80332710-81126767)x1

Genes: BCKDHB (branched chain keto acid dehydrogenase E1 subunit beta; plus strand), LOC123775377 (Sharpr-MPRA regulatory region 6183; plus strand), LOC126859720 (P300/CBP strongly-dependent group 1 enhancer GRCh37_chr6:81148056-81149255; plus strand), LOC126859721 (MED14-independent group 3 enhancer GRCh37_chr6:81245601-81246800; plus strand), LOC126859722 (BRD4-independent group 4 enhancer GRCh37_chr6:81257567-81258766; plus strand). Cytogenetic location: 6q14.1.
Variant type: copy number loss.
Change: copy number 1 (one copy instead of two) of chr6:80,332,710-81,126,767 (794.1 kb, GRCh38 coordinates, 1-based), cytogenetic band 6q14.1.
Identifiers: ClinVar variation 58828 (VCV000058828.1).